The following is an entry in ClinVar:

NM_007194.4(CHEK2):c.793G>A (p.Asp265Asn)

Gene: CHEK2 (checkpoint kinase 2; minus strand). Cytogenetic location: 22q12.1.
Variant type: single nucleotide variant.
Coding change: c.793G>A on transcript NM_007194.4 (MANE Select); coding-DNA position 793, G replaced by A.
Protein change: p.Asp265Asn; replaces aspartic acid 265 with asparagine.
Molecular consequence: missense variant.
Genome position (GRCh38, 1-based): chr22:28,710,059, C>T on the plus strand (G>A on the coding strand, the complement: CHEK2 is on the minus strand). VCF-style: chr22-28710059-C-T. GRCh37 (hg19) VCF-style: chr22-29106047-C-T.
Other names: c.922G>A, p.Asp308Asn (NM_001005735.3); c.130G>A, p.Asp44Asn (NM_001257387.3); c.592G>A, p.Asp198Asn (NM_001349956.3); c.793G>A, p.Asp265Asn (NM_145862.3); short protein forms D198N, D265N, D308N, D44N.
Identifiers: ClinVar variation 925202 (VCV000925202.14), dbSNP rs1064793689, ClinGen allele CA411102518.

ClinVar aggregate classification (germline): Uncertain significance. Review status: criteria provided, multiple submitters, no conflicts (2 of 4 stars). 3 submissions from 3 submitters: Uncertain significance (3). Last evaluated 2024-11-14.

Conditions:
Hereditary cancer-predisposing syndrome. Also called: Neoplastic Syndromes, Hereditary; Tumor predisposition; Hereditary Cancer Syndrome; Hereditary neoplastic syndrome. Identifiers: Orphanet 140162, MedGen C0027672, MeSH D009386, MONDO:0015356.
Familial cancer of breast. Also called: BREAST CANCER, FAMILIAL; Hereditary breast cancer; hereditary breast carcinoma. Identifiers: Orphanet 227535, MedGen C0346153, MONDO:0016419, OMIM 114480. Disease mechanism: loss of function.

Submissions (3):

Ambry Genetics
Classification: Uncertain significance for Hereditary cancer-predisposing syndrome. Last evaluated: 2024-11-14. Review status: criteria provided, single submitter. Criteria: Ambry Variant Classification Scheme 2023. Collection method: clinical testing. Allele origin: germline.
Comment: The p.D265N variant (also known as c.793G>A) is located in coding exon 6 of the CHEK2 gene. The aspartic acid at codon 265 is replaced by asparagine, an amino acid with highly similar properties. This change occurs in the first base pair of coding exon 6. This amino acid position is conserved. In addition, this alteration is predicted to be tolerated by in silico analysis. Based on the available evidence, the clinical significance of this variant remains unclear.

Labcorp Genetics (formerly Invitae), Labcorp
Classification: Uncertain significance for Familial cancer of breast. Last evaluated: 2024-07-26. Review status: criteria provided, single submitter. Criteria: Invitae Variant Classification Sherloc (09022015). Collection method: clinical testing. Allele origin: germline.
Comment: This sequence change replaces aspartic acid, which is acidic and polar, with asparagine, which is neutral and polar, at codon 265 of the CHEK2 protein (p.Asp265Asn). This variant is not present in population databases (gnomAD no frequency). This variant has not been reported in the literature in individuals affected with CHEK2-related conditions. ClinVar contains an entry for this variant (Variation ID: 925202). An algorithm developed to predict the effect of missense changes on protein structure and function (PolyPhen-2) suggests that this variant is likely to be tolerated. In summary, the available evidence is currently insufficient to determine the role of this variant in disease. Therefore, it has been classified as a Variant of Uncertain Significance.

Color Diagnostics, LLC DBA Color Health
Classification: Uncertain significance for Hereditary cancer-predisposing syndrome. Last evaluated: 2019-12-30. Review status: criteria provided, single submitter. Criteria: ACMG Guidelines, 2015. Collection method: clinical testing. Allele origin: germline.
Comment: This missense variant replaces aspartic acid with asparagine at codon 265 of the CHEK2 protein. Computational prediction suggests that this variant may not impact protein structure and function (internally defined REVEL score threshold <= 0.5, PMID: 27666373). Splice site prediction tools suggest that this variant may not impact RNA splicing. To our knowledge, functional studies have not been performed for this variant. This variant has not been reported in individuals affected with hereditary cancer in the literature. This variant has not been identified in the general population by the Genome Aggregation Database (gnomAD). The available evidence is insufficient to determine the role of this variant in disease conclusively. Therefore, this variant is classified as a Variant of Uncertain Significance.